The following is an entry in ClinVar:

NM_133459.4(CCBE1):c.190G>A (p.Gly64Ser)

Gene: CCBE1 (collagen and calcium binding EGF domains 1; minus strand). Cytogenetic location: 18q21.32.
Variant type: single nucleotide variant.
Coding change: c.190G>A on transcript NM_133459.4 (MANE Select); coding-DNA position 190, G replaced by A.
Protein change: p.Gly64Ser; replaces glycine 64 with serine.
Molecular consequence: missense variant.
Genome position (GRCh38, 1-based): chr18:59,696,651, C>T on the plus strand (G>A on the coding strand, the complement: CCBE1 is on the minus strand). VCF-style: chr18-59696651-C-T. GRCh37 (hg19) VCF-style: chr18-57363883-C-T.
Other names: short protein forms G64S.
Identifiers: ClinVar variation 2634351 (VCV002634351.2), dbSNP rs760413344, ClinGen allele CA8980618.

ClinVar aggregate classification (germline): Uncertain significance. Review status: criteria provided, multiple submitters, no conflicts (2 of 4 stars). 2 submissions from 2 submitters: Uncertain significance (2). Last evaluated 2024-02-21.

Conditions:
CCBE1-related disorder. Also called: CCBE1-related condition.
Inborn genetic diseases. Identifiers: MedGen C0950123, MeSH D030342.

Allele frequency attached by ClinVar (database versions not stated): gnomAD exomes below 0.00001; ExAC 0.00001; TOPMed 0.00008; gnomAD 0.00009.
gnomAD v4.1: 15 of 1,613,966 alleles (0.00093%); highest among the groups gnomAD compares: African/African-American, 0.02%; no homozygotes.

Submissions (2):

Ambry Genetics
Classification: Uncertain significance for Inborn genetic diseases. Last evaluated: 2024-02-21. Review status: criteria provided, single submitter. Criteria: Ambry Variant Classification Scheme 2023. Collection method: clinical testing. Allele origin: germline.

PreventionGenetics, part of Exact Sciences
Classification: Uncertain significance for CCBE1-related condition. Last evaluated: 2022-11-02. Review status: criteria provided, single submitter. Criteria: ACMG Guidelines, 2015. Collection method: clinical testing. Allele origin: germline.
Comment: The CCBE1 c.190G>A variant is predicted to result in the amino acid substitution p.Gly64Ser. To our knowledge, this variant has not been reported in the literature. This variant is reported in 0.018% of alleles in individuals of African descent in gnomAD. At this time, the clinical significance of this variant is uncertain due to the absence of conclusive functional and genetic evidence.